The following is an entry in ClinVar:

ClinVar aggregate classification (germline): Benign/Likely benign. Review status: criteria provided, multiple submitters, no conflicts (2 of 4 stars). 8 submissions from 8 submitters: Benign (4); Likely benign (4). Last evaluated 2026-04-01.

Conditions:
POLD1-related polyposis and colorectal cancer syndrome (CRCS10). Also called: Colorectal cancer 10; Colorectal cancer, susceptibility to, 10; COLORECTAL CANCER, SUSCEPTIBILITY TO, ON CHROMOSOME 19q. Identifiers: Orphanet 220460, MedGen C2675481, MONDO:0012953, OMIM 612591.
Hereditary cancer-predisposing syndrome. Also called: Neoplastic Syndromes, Hereditary; Hereditary neoplastic syndrome; Tumor predisposition; Hereditary Cancer Syndrome. Identifiers: Orphanet 140162, MedGen C0027672, MeSH D009386, MONDO:0015356.

Allele frequency attached by ClinVar (database versions not stated): gnomAD 0.00004; gnomAD exomes 0.00008 and 0.00036; TOPMed 0.00019; ExAC 0.00041.
gnomAD v4.1: 125 of 1,596,914 alleles (0.0078%); highest among the groups gnomAD compares: Admixed American, 0.16%; no homozygotes.

Submissions (8):

CeGaT Center for Human Genetics Tuebingen
Classification: Likely benign. Last evaluated: 2026-04-01. Review status: criteria provided, single submitter. Criteria: CeGaT Center For Human Genetics Tuebingen Variant Classification Criteria Version 2. Collection method: clinical testing. Allele origin: germline. Affected: yes. Observed: 4 variant alleles.
Comment: POLD1: BP4, BP7

Labcorp Genetics (formerly Invitae), Labcorp
Classification: Benign for POLD1-related polyposis and colorectal cancer syndrome. Last evaluated: 2026-01-27. Review status: criteria provided, single submitter. Criteria: Invitae Variant Classification Sherloc (09022015). Collection method: clinical testing. Allele origin: germline.

Women's Health and Genetics/Laboratory Corporation of America, LabCorp
Classification: Benign. Last evaluated: 2021-06-27. Review status: criteria provided, single submitter. Criteria: LabCorp Variant Classification Summary - May 2015. Collection method: clinical testing. Allele origin: germline.

GeneDx
Classification: Likely benign. Last evaluated: 2021-03-15. Review status: criteria provided, single submitter. Criteria: GeneDx Variant Classification Process June 2021. Collection method: clinical testing. Allele origin: germline. Affected: yes.

Sema4
Classification: Benign for Hereditary cancer-predisposing syndrome. Last evaluated: 2021-01-21. Review status: criteria provided, single submitter. Criteria: Sema4 Curation Guidelines. Collection method: curation. Allele origin: germline.

Quest Diagnostics Nichols Institute San Juan Capistrano
Classification: Benign. Last evaluated: 2018-10-10. Review status: criteria provided, single submitter. Criteria: Quest Diagnostics criteria. Collection method: clinical testing. Allele origin: germline.

PreventionGenetics, part of Exact Sciences
Classification: Likely benign. Last evaluated: 2017-09-13. Review status: criteria provided, single submitter. Criteria: ACMG Guidelines, 2015. Collection method: clinical testing. Allele origin: germline.

Ambry Genetics
Classification: Likely benign for Hereditary cancer-predisposing syndrome. Last evaluated: 2015-10-09. Review status: criteria provided, single submitter. Criteria: Ambry Variant Classification Scheme 2023. Collection method: clinical testing. Allele origin: germline.

NM_002691.4(POLD1):c.3204C>T (p.Asp1068=)

Gene: POLD1 (DNA polymerase delta 1, catalytic subunit; plus strand). Cytogenetic location: 19q13.33.
Variant type: single nucleotide variant.
Coding change: c.3204C>T on transcript NM_002691.4 (MANE Select); coding-DNA position 3204, C replaced by T.
Protein change: p.Asp1068=; no amino-acid change (aspartic acid 1068 retained).
Molecular consequence: synonymous variant. On other transcripts: non-coding transcript variant (1).
Genome position (GRCh38, 1-based): chr19:50,417,255, C>T. VCF-style: chr19-50417255-C-T. GRCh37 (hg19) VCF-style: chr19-50920512-C-T.
Other names: c.3204C>T, p.Asp1068= (NM_001256849.1); c.3282C>T, p.Asp1094= (NM_001308632.1).
Identifiers: ClinVar variation 391015 (VCV000391015.45), dbSNP rs759019419, ClinGen allele CA9596789.